The following is an entry in ClinVar:

NM_000089.4(COL1A2):c.2187+1G>C

Gene: COL1A2 (collagen type I alpha 2 chain; plus strand). Cytogenetic location: 7q21.3.
Variant type: single nucleotide variant.
Coding change: c.2187+1G>C on transcript NM_000089.4 (MANE Select); the canonical splice donor site of the intron after coding-DNA position 2187, G replaced by C.
Molecular consequence: splice donor variant.
Genome position (GRCh38, 1-based): chr7:94,420,445, G>C. VCF-style: chr7-94420445-G-C. GRCh37 (hg19) VCF-style: chr7-94049757-G-C.
Identifiers: ClinVar variation 3363158 (VCV003363158.1).

ClinVar aggregate classification (germline): Pathogenic (1 of 4 stars; one submission).

Conditions:
Osteogenesis imperfecta, perinatal lethal (OI2). Also called: Osteogenesis imperfecta, dominant perinatal lethal; OSTEOGENESIS IMPERFECTA, TYPE II; Osteogenesis imperfecta type 2; OSTEOGENESIS IMPERFECTA CONGENITA; OI, TYPE II; VROLIK TYPE OF OSTEOGENESIS IMPERFECTA. Identifiers: Orphanet 216804, MedGen C0268358, MONDO:0008147, OMIM 166210.

Submission:

Clinical Genetics and Genomics, Karolinska University Hospital
Classification: Pathogenic for Osteogenesis imperfecta, perinatal lethal. Last evaluated: 2024-09-10. Review status: criteria provided, single submitter. Criteria: ACMG Guidelines, 2015. Collection method: clinical testing. Allele origin: de novo. Affected: yes.